The following is an entry in ClinVar:

NM_000426.4(LAMA2):c.9085A>T (p.Thr3029Ser)

Gene: LAMA2 (laminin subunit alpha 2; plus strand). Cytogenetic location: 6q22.33.
Variant type: single nucleotide variant.
Coding change: c.9085A>T on transcript NM_000426.4 (MANE Select); coding-DNA position 9085, A replaced by T.
Protein change: p.Thr3029Ser; replaces threonine 3029 with serine.
Molecular consequence: missense variant.
Genome position (GRCh38, 1-based): chr6:129,514,469, A>T. VCF-style: chr6-129514469-A-T. GRCh37 (hg19) VCF-style: chr6-129835614-A-T.
Other names: c.9073A>T, p.Thr3025Ser (NM_001079823.2); short protein forms T3025S, T3029S.
Identifiers: ClinVar variation 4801393 (VCV004801393.1).

ClinVar aggregate classification (germline): Uncertain significance (1 of 4 stars; one submission).

Conditions:
LAMA2-related muscular dystrophy (LAMA2-RD). Also called: Laminin alpha 2-related dystrophy. Identifiers: MedGen C5679788, MONDO:0100228.

Submission:

Labcorp Genetics (formerly Invitae), Labcorp
Classification: Uncertain significance for LAMA2-related muscular dystrophy. Last evaluated: 2025-06-22. Review status: criteria provided, single submitter. Criteria: Invitae Variant Classification Sherloc (09022015). Collection method: clinical testing. Allele origin: germline.
Comment: This sequence change replaces threonine, which is neutral and polar, with serine, which is neutral and polar, at codon 3029 of the LAMA2 protein (p.Thr3029Ser). This variant is not present in population databases (gnomAD no frequency). This variant has not been reported in the literature in individuals affected with LAMA2-related conditions. Invitae Evidence Modeling of protein sequence and biophysical properties (such as structural, functional, and spatial information, amino acid conservation, physicochemical variation, residue mobility, and thermodynamic stability) indicates that this missense variant is not expected to disrupt LAMA2 protein function with a negative predictive value of 95%. In summary, the available evidence is currently insufficient to determine the role of this variant in disease. Therefore, it has been classified as a Variant of Uncertain Significance.